The following is an entry in ClinVar:

NM_006009.4(TUBA1A):c.1216C>T (p.His406Tyr)

Gene: TUBA1A (tubulin alpha 1a; minus strand). Cytogenetic location: 12q13.12.
Variant type: single nucleotide variant.
Coding change: c.1216C>T on transcript NM_006009.4 (MANE Select); coding-DNA position 1216, C replaced by T.
Protein change: p.His406Tyr; replaces histidine 406 with tyrosine.
Molecular consequence: missense variant.
Genome position (GRCh38, 1-based): chr12:49,185,150, G>A on the plus strand (C>T on the coding strand, the complement: TUBA1A is on the minus strand). VCF-style: chr12-49185150-G-A. GRCh37 (hg19) VCF-style: chr12-49578933-G-A.
Other names: c.1216C>T, p.His406Tyr (NM_001270399.2); c.1111C>T, p.His371Tyr (NM_001270400.2); short protein forms H371Y, H406Y.
Identifiers: ClinVar variation 1686683 (VCV001686683.2), dbSNP rs1942163977, ClinGen allele CA384634580.

ClinVar aggregate classification (germline): Pathogenic (1 of 4 stars; one submission).

Submission:

GeneDx
Classification: Pathogenic. Last evaluated: 2022-05-22. Review status: criteria provided, single submitter. Criteria: GeneDx Variant Classification Process June 2021. Collection method: clinical testing. Allele origin: germline. Affected: yes.
Comment: Not observed at significant frequency in large population cohorts (gnomAD); Missense variants in this gene are often considered pathogenic (HGMD); In silico analysis supports that this missense variant has a deleterious effect on protein structure/function; Has not been previously published as pathogenic or benign to our knowledge; This variant is associated with the following publications: (PMID: 24860126, 24077912)